The following is an entry in ClinVar:

NC_000017.10:g.(?_29422322)_(29664606_?)del

Genes: EVI2A (ecotropic viral integration site 2A; minus strand), EVI2B (ecotropic viral integration site 2B; minus strand), NF1 (neurofibromin 1; plus strand), OMG (oligodendrocyte myelin glycoprotein; minus strand). Cytogenetic location: 17q11.2.
Variant type: Deletion.
Identifiers: ClinVar variation 1072078 (VCV001072078.1).

ClinVar aggregate classification (germline): Pathogenic (1 of 4 stars; one submission).

Conditions:
Neurofibromatosis, type 1 (NF1). Also called: VON RECKLINGHAUSEN DISEASE; Peripheral type neurofibromatosis; NEUROFIBROMATOSIS, TYPE I, SOMATIC; Neurofibromatosis, type I. Identifiers: Orphanet 636, MedGen C0027831, MONDO:0018975, OMIM 162200. Disease mechanism: loss of function.

Submission:

Labcorp Genetics (formerly Invitae), Labcorp
Classification: Pathogenic for Neurofibromatosis, type 1. Last evaluated: 2016-09-29. Review status: criteria provided, single submitter. Criteria: Invitae Variant Classification Sherloc (09022015). Collection method: clinical testing. Allele origin: germline.
Comment: A gross deletion of the genomic region encompassing the full coding sequence of the NF1 gene has been identified. The boundaries of this event are unknown as the deletion extends beyond the assayed region for this gene and therefore may encompass additional genes. Loss-of-function variants in NF1 are known to be pathogenic. Gross deletions of the NF1 gene have been observed in many individuals with neurofibromatosis type 1 (PMID: 8116612, 8931693, 9643287). For these reasons, this variant has been classified as Pathogenic.

Literature cited by the submitters: PubMed 8116612; PubMed 8931693; PubMed 9643287.